The following is an entry in ClinVar:

NM_001283009.2(RTEL1):c.2004C>T (p.Gly668=)

Genes: RTEL1 (regulator of telomere elongation helicase 1; plus strand), RTEL1-TNFRSF6B (RTEL1-TNFRSF6B readthrough (NMD candidate); plus strand). Cytogenetic location: 20q13.33.
Variant type: single nucleotide variant.
Coding change: c.2004C>T on transcript NM_001283009.2 (MANE Select); coding-DNA position 2004, C replaced by T.
Protein change: p.Gly668=; no amino-acid change (glycine 668 retained).
Molecular consequence: synonymous variant. On other transcripts: non-coding transcript variant (1).
Genome position (GRCh38, 1-based): chr20:63,689,627, C>T. VCF-style: chr20-63689627-C-T. GRCh37 (hg19) VCF-style: chr20-62320980-C-T.
Other names: c.1335C>T, p.Gly445= (NM_001283010.1); c.2004C>T, p.Gly668= (NM_016434.4); c.2076C>T, p.Gly692= (NM_032957.5).
Identifiers: ClinVar variation 2084684 (VCV002084684.1), dbSNP rs1568710845, ClinGen allele CA511373743.
Genomic context (GRCh38, chr20:63,689,627, plus strand): 5'-CCCCCCACGCATGGACCCCCGGGTTGTCCTCAAGATGCAGTTCCTGGATGAGATGAAGGG[C>T]CAGGGTGGGGCTGGGGGCCAGGTGAGTTACAGCAGGGTGGGGCTGGGGTAAGGCGGTCTG-3'
Protein context (NP_001269938.1, residues 658-678): LKMQFLDEMK[Gly668=]QGGAGGQFLS

ClinVar aggregate classification (germline): Uncertain significance (1 of 4 stars; one submission).

Conditions:
Dyskeratosis congenita, autosomal recessive 5 (DKCB5). Identifiers: MedGen C3554656, MONDO:0014076, OMIM 615190.
Pulmonary fibrosis and/or bone marrow failure, Telomere-related, 3. Also called: PULMONARY FIBROSIS AND/OR BONE MARROW FAILURE SYNDROME, TELOMERE-RELATED, 3. Identifiers: Orphanet 2032, MedGen C4225346, MONDO:0014613, OMIM 616373.

gnomAD v4.1: 3 of 1,611,734 alleles (0.00019%); highest among the groups gnomAD compares: Non-Finnish European, 0.00025%; no homozygotes.

Submission:

Labcorp Genetics (formerly Invitae), Labcorp
Classification: Uncertain significance for Dyskeratosis congenita, autosomal recessive 5; Pulmonary fibrosis and/or bone marrow failure, Telomere-related, 3. Last evaluated: 2022-04-06. Review status: criteria provided, single submitter. Criteria: Invitae Variant Classification Sherloc (09022015). Collection method: clinical testing. Allele origin: germline.
Comment: This sequence change affects codon 668 of the RTEL1 mRNA. It is a 'silent' change, meaning that it does not change the encoded amino acid sequence of the RTEL1 protein. This variant is present in population databases (no rsID available, gnomAD 0.0009%). This variant has not been reported in the literature in individuals affected with RTEL1-related conditions. Algorithms developed to predict the effect of sequence changes on RNA splicing suggest that this variant may create or strengthen a splice site. In summary, the available evidence is currently insufficient to determine the role of this variant in disease. Therefore, it has been classified as a Variant of Uncertain Significance.